The following is an entry in ClinVar:

ClinVar aggregate classification (germline): Uncertain significance (1 of 4 stars; one submission).

Conditions:
RASopathy. Also called: rasopathies; Noonan spectrum disorder. Identifiers: Orphanet 536391, MedGen C5555857, MONDO:0021060.

Allele frequency attached by ClinVar (database versions not stated): gnomAD exomes below 0.00001; ExAC 0.00001.

Submission:

Labcorp Genetics (formerly Invitae), Labcorp
Classification: Uncertain significance for RASopathy. Last evaluated: 2024-03-21. Review status: criteria provided, single submitter. Criteria: Invitae Variant Classification Sherloc (09022015). Collection method: clinical testing. Allele origin: germline.
Comment: This sequence change replaces cysteine, which is neutral and slightly polar, with tyrosine, which is neutral and polar, at codon 381 of the CBL protein (p.Cys381Tyr). This variant is present in population databases (rs768898787, gnomAD no frequency). This variant has not been reported in the literature in individuals affected with CBL-related conditions. ClinVar contains an entry for this variant (Variation ID: 2417075). Advanced modeling of protein sequence and biophysical properties (such as structural, functional, and spatial information, amino acid conservation, physicochemical variation, residue mobility, and thermodynamic stability) performed at Invitae indicates that this missense variant is expected to disrupt CBL protein function with a positive predictive value of 95%. In summary, the available evidence is currently insufficient to determine the role of this variant in disease. Therefore, it has been classified as a Variant of Uncertain Significance.

NM_005188.4(CBL):c.1142G>A (p.Cys381Tyr)

Gene: CBL (Cbl proto-oncogene; plus strand). Cytogenetic location: 11q23.3.
Variant type: single nucleotide variant.
Coding change: c.1142G>A on transcript NM_005188.4 (MANE Select); coding-DNA position 1142, G replaced by A.
Protein change: p.Cys381Tyr; replaces cysteine 381 with tyrosine.
Molecular consequence: missense variant.
Genome position (GRCh38, 1-based): chr11:119,278,212, G>A. VCF-style: chr11-119278212-G-A. GRCh37 (hg19) VCF-style: chr11-119148922-G-A.
Other names: short protein forms C381Y.
Identifiers: ClinVar variation 2417075 (VCV002417075.6), dbSNP rs768898787, ClinGen allele CA6318440.
Genomic context (GRCh38, chr11:119,278,212, plus strand): 5'-TTTTTTAATCAAAGGAACAATATGAATTATACTGTGAGATGGGCTCCACATTCCAACTAT[G>A]TAAAATATGTGCTGAAAATGATAAGGATGTAAAGATTGAGCCCTGTGGACACCTCATGTG-3'
Protein context (NP_005179.2, residues 371-391): YCEMGSTFQL[Cys381Tyr]KICAENDKDV